The following is an entry in ClinVar:

ClinVar aggregate classification (germline): Uncertain significance. Review status: criteria provided, multiple submitters, no conflicts (2 of 4 stars). 4 submissions from 4 submitters: Uncertain significance (4). Last evaluated 2026-04-16.

Conditions:
Combined immunodeficiency with skin granulomas. Identifiers: Orphanet 157949, MedGen C2673536, MONDO:0009306, OMIM 233650.
Severe combined immunodeficiency, autosomal recessive, T cell-negative, B cell-negative, NK cell-positive. Also called: SCID, AR, T-cell negative, B-cell negative, NK cell-positive; SCID, T CELL-NEGATIVE, B CELL-NEGATIVE, NK CELL-POSITIVE; Severe combined immunodeficiency due to complete RAG1/2 deficiency. Identifiers: Orphanet 331206, MedGen C1832322, MONDO:0011086, OMIM 601457.
Combined immunodeficiency due to partial RAG1 deficiency. Identifiers: Orphanet 231154, MedGen C1835931, MONDO:0012359, OMIM 609889.
Histiocytic medullary reticulosis. Also called: SEVERE COMBINED IMMUNODEFICIENCY WITH HYPEREOSINOPHILIA; Omenn syndrome. Identifiers: Orphanet 39041, MedGen C2700553, MONDO:0011338, OMIM 603554.

Allele frequency attached by ClinVar (database versions not stated): gnomAD exomes 0.00010 and 0.00017; ExAC 0.00014; ESP Exome Variant Server 0.00015; 1000 Genomes Project 30x 0.00016; TOPMed 0.00017; gnomAD 0.00019; 1000 Genomes Project 0.00020.
gnomAD v4.1: 278 of 1,614,164 alleles (0.017%); highest among the groups gnomAD compares: Middle Eastern, 0.033%; no homozygotes.

Submissions (4):

Women's Health and Genetics/Laboratory Corporation of America, LabCorp
Classification: Uncertain significance. Last evaluated: 2026-04-16. Review status: criteria provided, single submitter. Criteria: LabCorp Variant Classification Summary - May 2015. Collection method: clinical testing. Allele origin: germline.
Comment: Variant summary: RAG1 c.1864G>A (p.Ala622Thr) results in a non-conservative amino acid change in the encoded protein sequence. Algorithms developed to predict the effect of missense changes on protein structure and function all suggest that this variant is likely to be disruptive. The variant allele was found at a frequency of 0.0001 in 251364 control chromosomes. This frequency is not significantly higher than estimated for disease-causing variants in RAG1, allowing no conclusion about variant significance. c.1864G>A has been observed as homozygous in an individual affected with clinical features of RAG1 deficiency without strong evidence for causality (Yilmaz_2025). These report(s) do not provide unequivocal conclusions about association of the variant with RAG1 deficiency. To our knowledge, no experimental evidence demonstrating an impact on protein function has been reported. The following publication have been ascertained in the context of this evaluation (PMID: 41071379). ClinVar contains an entry for this variant (Variation ID: 847066). Based on the evidence outlined above, the variant was classified as uncertain significance.

Blueprint Genetics
Classification: Uncertain significance. Last evaluated: 2024-11-15. Review status: criteria provided, single submitter. Criteria: ACMG Guidelines, 2015. Collection method: clinical testing. Allele origin: germline.

Labcorp Genetics (formerly Invitae), Labcorp
Classification: Uncertain significance for Combined immunodeficiency with skin granulomas; Severe combined immunodeficiency, autosomal recessive, T cell-negative, B cell-negative, NK cell-positive. Last evaluated: 2024-09-03. Review status: criteria provided, single submitter. Criteria: Invitae Variant Classification Sherloc (09022015). Collection method: clinical testing. Allele origin: germline.
Comment: This sequence change replaces alanine, which is neutral and non-polar, with threonine, which is neutral and polar, at codon 622 of the RAG1 protein (p.Ala622Thr). This variant is present in population databases (rs148380512, gnomAD 0.02%). This variant has not been reported in the literature in individuals affected with RAG1-related conditions. ClinVar contains an entry for this variant (Variation ID: 847066). Invitae Evidence Modeling of protein sequence and biophysical properties (such as structural, functional, and spatial information, amino acid conservation, physicochemical variation, residue mobility, and thermodynamic stability) has been performed for this missense variant. However, the output from this modeling did not meet the statistical confidence thresholds required to predict the impact of this variant on RAG1 protein function. In summary, the available evidence is currently insufficient to determine the role of this variant in disease. Therefore, it has been classified as a Variant of Uncertain Significance.

Fulgent Genetics
Classification: Uncertain significance for Combined immunodeficiency with skin granulomas; Severe combined immunodeficiency, autosomal recessive, T cell-negative, B cell-negative, NK cell-positive; Histiocytic medullary reticulosis; Combined immunodeficiency due to partial RAG1 deficiency. Last evaluated: 2021-11-06. Review status: criteria provided, single submitter. Criteria: ACMG Guidelines, 2015. Collection method: clinical testing. Allele origin: unknown.

Literature cited by the submitters: PubMed 41071379 (cited by Women's Health and Genetics/Laboratory Corporation of America, LabCorp).

NM_000448.3(RAG1):c.1864G>A (p.Ala622Thr)

Gene: RAG1 (recombination activating 1; plus strand). Cytogenetic location: 11p12.
Variant type: single nucleotide variant.
Coding change: c.1864G>A on transcript NM_000448.3 (MANE Select); coding-DNA position 1864, G replaced by A.
Protein change: p.Ala622Thr; replaces alanine 622 with threonine.
Molecular consequence: missense variant.
Genome position (GRCh38, 1-based): chr11:36,575,168, G>A. VCF-style: chr11-36575168-G-A. GRCh37 (hg19) VCF-style: chr11-36596718-G-A.
Other names: c.1864G>A, p.Ala622Thr (NM_001377277.1, NM_001377278.1, NM_001377279.1 and 1 more transcripts); short protein forms A622T.
Identifiers: ClinVar variation 847066 (VCV000847066.9), dbSNP rs148380512, ClinGen allele CA5950191.
Genomic context (GRCh38, chr11:36,575,168, plus strand): 5'-TGTGATGGAATGGGAGACGTGAGTGAGAAGCATGGGAGTGGGCCTGTAGTTCCAGAAAAG[G>A]CAGTCCGTTTTTCATTCACAATCATGAAAATTACTATTGCCCACAGCTCTCAGAATGTGA-3'
Protein context (NP_000439.2, residues 612-632): HGSGPVVPEK[Ala622Thr]VRFSFTIMKI